The following is an entry in ClinVar:

ClinVar aggregate classification (germline): Uncertain significance (1 of 4 stars; one submission).

Conditions:
Hereditary cancer-predisposing syndrome. Also called: Neoplastic Syndromes, Hereditary; Tumor predisposition; Hereditary Cancer Syndrome; Hereditary neoplastic syndrome. Identifiers: Orphanet 140162, MedGen C0027672, MeSH D009386, MONDO:0015356.

Submission:

Ambry Genetics
Classification: Uncertain significance for Hereditary cancer-predisposing syndrome. Last evaluated: 2026-04-23. Review status: criteria provided, single submitter. Criteria: Ambry Variant Classification Scheme 2023. Collection method: clinical testing. Allele origin: germline.
Comment: The p.C462F variant (also known as c.1385G>T), located in coding exon 10 of the PTCH1 gene, results from a G to T substitution at nucleotide position 1385. The cysteine at codon 462 is replaced by phenylalanine, an amino acid with highly dissimilar properties. This amino acid position is conserved. In addition, this alteration is predicted to be deleterious by in silico analysis. Based on the available evidence, the clinical significance of this alteration remains unclear.

NM_000264.5(PTCH1):c.1385G>T (p.Cys462Phe)

Gene: PTCH1 (patched 1; minus strand). Cytogenetic location: 9q22.32.
Variant type: single nucleotide variant.
Coding change: c.1385G>T on transcript NM_000264.5 (MANE Select); coding-DNA position 1385, G replaced by T.
Protein change: p.Cys462Phe; replaces cysteine 462 with phenylalanine.
Molecular consequence: missense variant. On other transcripts: non-coding transcript variant (1), intron variant (1).
Genome position (GRCh38, 1-based): chr9:95,477,665, C>A on the plus strand (G>T on the coding strand, the complement: PTCH1 is on the minus strand). VCF-style: chr9-95477665-C-A. GRCh37 (hg19) VCF-style: chr9-98239947-C-A.
Other names: c.1187G>T, p.Cys396Phe (NM_001083602.3); c.1382G>T, p.Cys461Phe (NM_001083603.3); c.932G>T, p.Cys311Phe (NM_001083604.3, NM_001083605.3, NM_001083606.3 and 1 more transcripts); c.1347+390G>T (NM_001354918.2); short protein forms C311F, C396F, C461F, C462F.
Identifiers: ClinVar variation 3230937 (VCV003230937.2), dbSNP rs2118309545, ClinGen allele CA374118604.